The following is an entry in ClinVar:

ClinVar aggregate classification (germline): Uncertain significance (1 of 4 stars; one submission).

Conditions:
Inborn genetic diseases. Identifiers: MedGen C0950123, MeSH D030342.

gnomAD v4.1: 1 of 1,614,134 alleles (0.000062%); highest among the groups gnomAD compares: South Asian, 0.0011%; no homozygotes.

Submission:

Ambry Genetics
Classification: Uncertain significance for Inborn genetic diseases. Last evaluated: 2025-09-01. Review status: criteria provided, single submitter. Criteria: Ambry Variant Classification Scheme 2023. Collection method: clinical testing. Allele origin: germline.
Comment: The p.E994A variant (also known as c.2981A>C), located in coding exon 13 of the BMPR2 gene, results from an A to C substitution at nucleotide position 2981. The glutamic acid at codon 994 is replaced by alanine, an amino acid with dissimilar properties. This amino acid position is conserved. In addition, this alteration is predicted to be deleterious by in silico analysis. Based on the available evidence, the clinical significance of this variant remains unclear.

NM_001204.7(BMPR2):c.2981A>C (p.Glu994Ala)

Gene: BMPR2 (bone morphogenetic protein receptor type 2; plus strand). Cytogenetic location: 2q33.2.
Variant type: single nucleotide variant.
Coding change: c.2981A>C on transcript NM_001204.7 (MANE Select); coding-DNA position 2981, A replaced by C.
Protein change: p.Glu994Ala; replaces glutamic acid 994 with alanine.
Molecular consequence: missense variant.
Genome position (GRCh38, 1-based): chr2:202,559,810, A>C. VCF-style: chr2-202559810-A-C. GRCh37 (hg19) VCF-style: chr2-203424533-A-C.
Other names: short protein forms E994A.
Identifiers: ClinVar variation 4214549 (VCV004214549.1).